The following is an entry in ClinVar:

NM_006785.4(MALT1):c.1487C>T (p.Ala496Val)

Gene: MALT1 (MALT1 paracaspase; plus strand). Cytogenetic location: 18q21.32.
Variant type: single nucleotide variant.
Coding change: c.1487C>T on transcript NM_006785.4 (MANE Select); coding-DNA position 1487, C replaced by T.
Protein change: p.Ala496Val; replaces alanine 496 with valine.
Molecular consequence: missense variant.
Genome position (GRCh38, 1-based): chr18:58,735,213, C>T. VCF-style: chr18-58735213-C-T. GRCh37 (hg19) VCF-style: chr18-56402445-C-T.
Other names: c.1454C>T, p.Ala485Val (NM_173844.3); short protein forms A496V, A485V.
Identifiers: ClinVar variation 1998758 (VCV001998758.4), dbSNP rs2511556416, ClinGen allele CA402575080.
Genomic context (GRCh38, chr18:58,735,213, plus strand): 5'-CAGTATTTGCCTTTCTGTGCCTGGCTTAACTTCTTTTTCTATTTTTAAGGTGTCAAGGAG[C>T]AGAAGCTTTTGAAATCCAGCATTCTGGATTGGCAAATGGAATCTTTATGAAATTTTTAAA-3'
Protein context (NP_006776.1, residues 486-506): IVFGYATCQG[Ala496Val]EAFEIQHSGL

ClinVar aggregate classification (germline): Uncertain significance (1 of 4 stars; one submission).

Conditions:
Combined immunodeficiency due to MALT1 deficiency. Also called: Immunodeficiency 12. Identifiers: Orphanet 397964, MedGen C3809583, MONDO:0014197, OMIM 615468.

Submission:

Labcorp Genetics (formerly Invitae), Labcorp
Classification: Uncertain significance for Combined immunodeficiency due to MALT1 deficiency. Last evaluated: 2022-08-12. Review status: criteria provided, single submitter. Criteria: Invitae Variant Classification Sherloc (09022015). Collection method: clinical testing. Allele origin: germline.
Comment: In summary, the available evidence is currently insufficient to determine the role of this variant in disease. Therefore, it has been classified as a Variant of Uncertain Significance. Algorithms developed to predict the effect of missense changes on protein structure and function are either unavailable or do not agree on the potential impact of this missense change (SIFT: "Tolerated"; PolyPhen-2: "Probably Damaging"; Align-GVGD: "Class C0"). This variant has not been reported in the literature in individuals affected with MALT1-related conditions. This variant is not present in population databases (gnomAD no frequency). This sequence change replaces alanine, which is neutral and non-polar, with valine, which is neutral and non-polar, at codon 496 of the MALT1 protein (p.Ala496Val).